The following is an entry in ClinVar:

ClinVar aggregate classification (germline): Pathogenic (1 of 4 stars; one submission).

Conditions:
Hereditary retinoblastoma. Identifiers: Orphanet 357027, MedGen C0751483, MONDO:0018160.

Submission:

Ramesar Group, Division of Human Genetics, Institute of Infectious Diseases and Molecular Medicine, UCT/MRC Genomic and Precision Medicine Research Unit, University of Cape Town
Classification: Pathogenic for Hereditary retinoblastoma. Last evaluated: 2025-09-17. Review status: criteria provided, single submitter. Criteria: ACMG Guidelines, 2015. Collection method: research. Allele origin: germline. Affected: yes. Observed: 2 variant alleles.

NM_000321.3(RB1):c.1572_1573del (p.Lys524fs)

Gene: RB1 (RB transcriptional corepressor 1; plus strand). Cytogenetic location: 13q14.2.
Variant type: Deletion.
Coding change: c.1572_1573del on transcript NM_000321.3 (MANE Select); coding-DNA positions 1572 to 1573, 2 bases deleted (AG; older notation c.1572_1573delAG).
Protein change: p.Lys524fs; shifts the reading frame from lysine 524.
Molecular consequence: frameshift variant.
Genome position (GRCh38, 1-based): chr13:48,381,320-48,381,321, AG deleted. VCF-style (leftmost placement, unchanged base first): chr13-48381319-AAG-A. GRCh37 (hg19) VCF-style: chr13-48955455-AAG-A.
Other names: c.1572_1573del, p.Lys524fs (NM_001407165.1, NM_001407166.1); short protein forms K524fs.
Identifiers: ClinVar variation 4759388 (VCV004759388.1).